The following is an entry in ClinVar:

ClinVar aggregate classification (germline): Uncertain significance (1 of 4 stars; one submission).

Allele frequency attached by ClinVar (database versions not stated): gnomAD exomes below 0.00001.
gnomAD v4.1: 1 of 1,613,814 alleles (0.000062%); highest among the groups gnomAD compares: South Asian, 0.0011%; no homozygotes.

Submission:

Labcorp Genetics (formerly Invitae), Labcorp
Classification: Uncertain significance. Last evaluated: 2022-08-23. Review status: criteria provided, single submitter. Criteria: Invitae Variant Classification Sherloc (09022015). Collection method: clinical testing. Allele origin: germline.
Comment: Algorithms developed to predict the effect of missense changes on protein structure and function (SIFT, PolyPhen-2, Align-GVGD) all suggest that this variant is likely to be tolerated. In summary, the available evidence is currently insufficient to determine the role of this variant in disease. Therefore, it has been classified as a Variant of Uncertain Significance. ClinVar contains an entry for this variant (Variation ID: 1011225). This variant has not been reported in the literature in individuals affected with NEDD4L-related conditions. This variant is not present in population databases (gnomAD no frequency). This sequence change replaces serine, which is neutral and polar, with proline, which is neutral and non-polar, at codon 336 of the NEDD4L protein (p.Ser336Pro).

NM_001144967.3(NEDD4L):c.1006T>C (p.Ser336Pro)

Gene: NEDD4L (NEDD4 like E3 ubiquitin protein ligase; plus strand). Cytogenetic location: 18q21.31.
Variant type: single nucleotide variant.
Coding change: c.1006T>C on transcript NM_001144967.3 (MANE Select); coding-DNA position 1006, T replaced by C.
Protein change: p.Ser336Pro; replaces serine 336 with proline.
Molecular consequence: missense variant.
Genome position (GRCh38, 1-based): chr18:58,333,833, T>C. VCF-style: chr18-58333833-T-C. GRCh37 (hg19) VCF-style: chr18-56001065-T-C.
Other names: c.643T>C, p.Ser215Pro (NM_001144964.1, NM_001144965.2, NM_001144966.3 and 2 more transcripts); c.982T>C, p.Ser328Pro (NM_001144968.2, NM_001144969.2); c.1006T>C, p.Ser336Pro (NM_001243960.2, NM_015277.6); short protein forms S215P, S328P, S336P.
Identifiers: ClinVar variation 1011225 (VCV001011225.8), dbSNP rs2041359916, ClinGen allele CA402556572.